The following is an entry in ClinVar:

ClinVar aggregate classification (germline): Uncertain significance (1 of 4 stars; one submission).

Conditions:
Costello syndrome (CSTLO). Also called: FACIOCUTANEOSKELETAL SYNDROME; FCS SYNDROME; HRAS-Related Costello Syndrome. Identifiers: Orphanet 3071, MedGen C0587248, MONDO:0009026, OMIM 218040.

Allele frequency attached by ClinVar (database versions not stated): gnomAD exomes below 0.00001.
gnomAD v4.1: 1 of 1,613,382 alleles (0.000062%); highest among the groups gnomAD compares: Non-Finnish European, 0.000085%; no homozygotes.

Submission:

Labcorp Genetics (formerly Invitae), Labcorp
Classification: Uncertain significance for Costello syndrome. Last evaluated: 2024-03-17. Review status: criteria provided, single submitter. Criteria: Invitae Variant Classification Sherloc (09022015). Collection method: clinical testing. Allele origin: germline.
Comment: This sequence change replaces threonine, which is neutral and polar, with serine, which is neutral and polar, at codon 74 of the HRAS protein (p.Thr74Ser). This variant is not present in population databases (gnomAD no frequency). This variant has not been reported in the literature in individuals affected with HRAS-related conditions. Advanced modeling of protein sequence and biophysical properties (such as structural, functional, and spatial information, amino acid conservation, physicochemical variation, residue mobility, and thermodynamic stability) performed at Invitae indicates that this missense variant is not expected to disrupt HRAS protein function with a negative predictive value of 95%. In summary, the available evidence is currently insufficient to determine the role of this variant in disease. Therefore, it has been classified as a Variant of Uncertain Significance.

NM_005343.4(HRAS):c.221C>G (p.Thr74Ser)

Genes: HRAS (HRas proto-oncogene, GTPase; minus strand), LRRC56 (leucine rich repeat containing 56; plus strand). Cytogenetic location: 11p15.5.
Variant type: single nucleotide variant.
Coding change: c.221C>G on transcript NM_005343.4 (MANE Select); coding-DNA position 221, C replaced by G.
Protein change: p.Thr74Ser; replaces threonine 74 with serine.
Molecular consequence: missense variant. On other transcripts: 5 prime UTR variant (1).
Genome position (GRCh38, 1-based): chr11:533,835, G>C on the plus strand (C>G on the coding strand, the complement: HRAS is on the minus strand). VCF-style: chr11-533835-G-C. GRCh37 (hg19) VCF-style: chr11-533835-G-C.
Other names: c.221C>G, p.Thr74Ser (NM_001130442.3, NM_176795.5); c.-99C>G (NM_001318054.2); short protein forms T74S.
Identifiers: ClinVar variation 2885653 (VCV002885653.3), dbSNP rs1291306227, ClinGen allele CA378924586.
Genomic context (GRCh38, chr11:533,835, plus strand): 5'-TGGATGTCCTCAAAAGACTTGGTGTTGTTGATGGCAAACACACACAGGAAGCCCTCCCCG[G>C]TGCGCATGTACTGGTCCCGCATGGCGCTGTACTCCTCCTGGCCGGCGGTATCCAGGATGT-3'
Protein context (NP_005334.1, residues 64-84): YSAMRDQYMR[Thr74Ser]GEGFLCVFAI